The following is an entry in ClinVar:

NM_001387430.1(SH2B1):c.2138_2240del (p.Glu713fs)

Gene: SH2B1 (SH2B adaptor protein 1; plus strand). Cytogenetic location: 16p11.2.
Variant type: Deletion.
Coding change: c.2138_2240del on transcript NM_001387430.1 (MANE Select); coding-DNA positions 2138 to 2240, 103 bases deleted.
Protein change: p.Glu713fs; shifts the reading frame from glutamic acid 713.
Molecular consequence: frameshift variant. On other transcripts: 3 prime UTR variant (5).
Genome position (GRCh38, 1-based): chr16:28,873,687-28,873,789, 103 bases deleted. GRCh37 (hg19): chr16:28,885,008-28,885,110.
Other names: c.2138_2240del, p.Glu713fs (NM_001145795.2, NM_001308293.2, NM_001387404.1); c.*222_*324del (NM_001145796.2, NM_001145812.2, NM_001308294.2 and 1 more transcripts); c.*239_*341del (NM_001145797.2); short protein forms E713fs.
Identifiers: ClinVar variation 3368791 (VCV003368791.1).

ClinVar aggregate classification (germline): Uncertain significance (1 of 4 stars; one submission).

Submission:

GeneDx
Classification: Uncertain significance. Last evaluated: 2024-02-07. Review status: criteria provided, single submitter. Criteria: GeneDx Variant Classification Process June 2021. Collection method: clinical testing. Allele origin: germline. Affected: yes.
Comment: Not observed at significant frequency in large population cohorts (gnomAD); Has not been previously published as pathogenic or benign to our knowledge; Frameshift variant predicted to result in abnormal protein length as the last 44 amino acids are replaced with 53 different amino acids in a gene for which loss-of-function is not an established mechanism of disease